The following is an entry in ClinVar:

NM_004563.4(PCK2):c.1583G>A (p.Arg528His)

Genes: NRL (neural retina leucine zipper; minus strand), PCK2 (phosphoenolpyruvate carboxykinase 2, mitochondrial; plus strand). Cytogenetic location: 14q12.
Variant type: single nucleotide variant.
Coding change: c.1583G>A on transcript NM_004563.4 (MANE Select); coding-DNA position 1583, G replaced by A.
Protein change: p.Arg528His; replaces arginine 528 with histidine.
Molecular consequence: missense variant. On other transcripts: intron variant (3).
Genome position (GRCh38, 1-based): chr14:24,103,624, G>A. VCF-style: chr14-24103624-G-A. GRCh37 (hg19) VCF-style: chr14-24572833-G-A.
Other names: c.1181G>A, p.Arg394His (NM_001291556.2, NM_001308054.2); c.-28+11098C>T (NM_001354768.3, NM_001354770.2); c.-254+11098C>T (NM_006177.5); short protein forms R394H, R528H.
Identifiers: ClinVar variation 2373713 (VCV002373713.5), dbSNP rs201244499, ClinGen allele CA257850142.

ClinVar aggregate classification (germline): Uncertain significance. Review status: criteria provided, multiple submitters, no conflicts (2 of 4 stars). 2 submissions from 2 submitters: Uncertain significance (2). Last evaluated 2025-04-24.

gnomAD v4.1: 48 of 1,613,832 alleles (0.003%); highest among the groups gnomAD compares: African/African-American, 0.012%; no homozygotes.

Submissions (2):

Labcorp Genetics (formerly Invitae), Labcorp
Classification: Uncertain significance. Last evaluated: 2025-04-24. Review status: criteria provided, single submitter. Criteria: Invitae Variant Classification Sherloc (09022015). Collection method: clinical testing. Allele origin: germline.
Comment: This sequence change replaces arginine, which is basic and polar, with histidine, which is basic and polar, at codon 528 of the PCK2 protein (p.Arg528His). This variant is present in population databases (rs201244499, gnomAD 0.004%). This variant has not been reported in the literature in individuals affected with PCK2-related conditions. ClinVar contains an entry for this variant (Variation ID: 2373713). Invitae Evidence Modeling of protein sequence and biophysical properties (such as structural, functional, and spatial information, amino acid conservation, physicochemical variation, residue mobility, and thermodynamic stability) indicates that this missense variant is not expected to disrupt PCK2 protein function with a negative predictive value of 80%. In summary, the available evidence is currently insufficient to determine the role of this variant in disease. Therefore, it has been classified as a Variant of Uncertain Significance.

Ambry Genetics
Classification: Uncertain significance. Last evaluated: 2021-08-04. Review status: criteria provided, single submitter. Criteria: Ambry Variant Classification Scheme 2023. Collection method: clinical testing. Allele origin: germline.